The following is an entry in ClinVar:

NM_005984.5(SLC25A1):c.95-3C>T

Gene: SLC25A1 (solute carrier family 25 member 1; minus strand). Cytogenetic location: 22q11.21.
Variant type: single nucleotide variant.
Coding change: c.95-3C>T on transcript NM_005984.5 (MANE Select); 3 bases into the intron before coding-DNA position 95, C replaced by T.
Molecular consequence: intron variant. On other transcripts: missense variant (1).
Genome position (GRCh38, 1-based): chr22:19,178,243, G>A on the plus strand (C>T on the coding strand, the complement: SLC25A1 is on the minus strand). VCF-style: chr22-19178243-G-A. GRCh37 (hg19) VCF-style: chr22-19165756-G-A.
Other names: c.113C>T, p.Ala38Val (NM_001256534.2); c.-215-3C>T (NM_001287387.2); short protein forms A38V.
Identifiers: ClinVar variation 2074770 (VCV002074770.4), dbSNP rs1241578032, ClinGen allele CA638334098.
Genomic context (GRCh38, chr22:19,178,243, plus strand): 5'-GTCTTCACGTACTCGGTGGGGAAGGTGATGCAGATCTCGATGCCACCCGCCAGGCCGCCT[G>A]CAGGGACCGGGAACCCGCTCCTGAGACTCCCGCCCGGCCGCTGGCGCTCGGGCCCCTCCC-3'

ClinVar aggregate classification (germline): Uncertain significance (1 of 4 stars; one submission).

Allele frequency attached by ClinVar (database versions not stated): gnomAD 0.00003; TOPMed 0.00005; gnomAD exomes 0.00006.
gnomAD v4.1: 85 of 1,545,896 alleles (0.0055%); highest among the groups gnomAD compares: Non-Finnish European, 0.0074%; no homozygotes.

Submission:

Labcorp Genetics (formerly Invitae), Labcorp
Classification: Uncertain significance. Last evaluated: 2024-05-20. Review status: criteria provided, single submitter. Criteria: Invitae Variant Classification Sherloc (09022015). Collection method: clinical testing. Allele origin: germline.
Comment: This sequence change falls in intron 1 of the SLC25A1 gene. It does not directly change the encoded amino acid sequence of the SLC25A1 protein. It affects a nucleotide within the consensus splice site. This variant is present in population databases (no rsID available, gnomAD 0.007%). This variant has not been reported in the literature in individuals affected with SLC25A1-related conditions. ClinVar contains an entry for this variant (Variation ID: 2074770). Variants that disrupt the consensus splice site are a relatively common cause of aberrant splicing (PMID: 17576681, 9536098). Algorithms developed to predict the effect of sequence changes on RNA splicing suggest that this variant is not likely to affect RNA splicing. In summary, the available evidence is currently insufficient to determine the role of this variant in disease. Therefore, it has been classified as a Variant of Uncertain Significance.

Literature cited by the submitters: PubMed 17576681; PubMed 9536098.